The following is an entry in ClinVar:

ClinVar aggregate classification (germline): Uncertain significance (1 of 4 stars; one submission).

Conditions:
Dyskeratosis congenita. Identifiers: Orphanet 1775, MedGen C0265965, MONDO:0015780.

Submission:

Labcorp Genetics (formerly Invitae), Labcorp
Classification: Uncertain significance for Dyskeratosis congenita. Last evaluated: 2026-02-01. Review status: criteria provided, single submitter. Criteria: Invitae Variant Classification Sherloc (09022015). Collection method: clinical testing. Allele origin: germline.
Comment: This sequence change replaces glutamic acid, which is acidic and polar, with glycine, which is neutral and non-polar, at codon 304 of the TINF2 protein (p.Glu304Gly). This variant is not present in population databases (gnomAD no frequency). This variant has not been reported in the literature in individuals affected with TINF2-related conditions. An algorithm developed to predict the effect of missense changes on protein structure and function outputs the following: PolyPhen-2: "Possibly Damaging". The glycine amino acid residue is found in multiple mammalian species, which suggests that this missense change does not adversely affect protein function. In summary, the available evidence is currently insufficient to determine the role of this variant in disease. Therefore, it has been classified as a Variant of Uncertain Significance.

NM_001099274.3(TINF2):c.911A>G (p.Glu304Gly)

Gene: TINF2 (TERF1 interacting nuclear factor 2; minus strand). Cytogenetic location: 14q12.
Variant type: single nucleotide variant.
Coding change: c.911A>G on transcript NM_001099274.3 (MANE Select); coding-DNA position 911, A replaced by G.
Protein change: p.Glu304Gly; replaces glutamic acid 304 with glycine.
Molecular consequence: missense variant.
Genome position (GRCh38, 1-based): chr14:24,240,569, T>C on the plus strand (A>G on the coding strand, the complement: TINF2 is on the minus strand). VCF-style: chr14-24240569-T-C. GRCh37 (hg19) VCF-style: chr14-24709775-T-C.
Other names: c.806A>G, p.Glu269Gly (NM_001363668.2); c.911A>G, p.Glu304Gly (NM_012461.3); short protein forms E269G, E304G.
Identifiers: ClinVar variation 4761927 (VCV004761927.1).